The following is an entry in ClinVar:

NM_001104631.2(PDE4D):c.205C>T (p.Pro69Ser)

Gene: PDE4D (phosphodiesterase 4D; minus strand). Cytogenetic location: 5q12.1.
Variant type: single nucleotide variant.
Coding change: c.205C>T on transcript NM_001104631.2 (MANE Select); coding-DNA position 205, C replaced by T.
Protein change: p.Pro69Ser; replaces proline 69 with serine.
Molecular consequence: missense variant. On other transcripts: intron variant (5).
Genome position (GRCh38, 1-based): chr5:59,893,418, G>A on the plus strand (C>T on the coding strand, the complement: PDE4D is on the minus strand). VCF-style: chr5-59893418-G-A. GRCh37 (hg19) VCF-style: chr5-59189245-G-A.
Other names: c.272+95070C>T (NM_001364599.1, NM_001165899.2, NM_001364600.2); c.-240+95070C>T (NM_001349243.2); c.242+95070C>T (NM_001349241.2); short protein forms P69S.
Identifiers: ClinVar variation 2814230 (VCV002814230.3), dbSNP rs2534920824, ClinGen allele CA359932858.

ClinVar aggregate classification (germline): Uncertain significance (1 of 4 stars; one submission).

Allele frequency attached by ClinVar (database versions not stated): gnomAD exomes below 0.00001.

Submission:

Labcorp Genetics (formerly Invitae), Labcorp
Classification: Uncertain significance. Last evaluated: 2022-11-14. Review status: criteria provided, single submitter. Criteria: Invitae Variant Classification Sherloc (09022015). Collection method: clinical testing. Allele origin: germline.
Comment: This sequence change replaces proline, which is neutral and non-polar, with serine, which is neutral and polar, at codon 69 of the PDE4D protein (p.Pro69Ser). This variant is not present in population databases (gnomAD no frequency). This variant has not been reported in the literature in individuals affected with PDE4D-related conditions. Algorithms developed to predict the effect of missense changes on protein structure and function (SIFT, PolyPhen-2, Align-GVGD) all suggest that this variant is likely to be tolerated. In summary, the available evidence is currently insufficient to determine the role of this variant in disease. Therefore, it has been classified as a Variant of Uncertain Significance.